The following is an entry in ClinVar:

NM_002180.3(IGHMBP2):c.2785-3C>G

Gene: IGHMBP2 (immunoglobulin mu DNA binding protein 2; plus strand). Cytogenetic location: 11q13.3.
Variant type: single nucleotide variant.
Coding change: c.2785-3C>G on transcript NM_002180.3 (MANE Select); 3 bases into the intron before coding-DNA position 2785, C replaced by G.
Molecular consequence: intron variant.
Genome position (GRCh38, 1-based): chr11:68,939,531, C>G. VCF-style: chr11-68939531-C-G. GRCh37 (hg19) VCF-style: chr11-68706999-C-G.
Identifiers: ClinVar variation 841984 (VCV000841984.10), dbSNP rs1859669997, ClinGen allele CA916080433.

ClinVar aggregate classification (germline): Uncertain significance (1 of 4 stars; one submission).

Conditions:
Autosomal recessive distal spinal muscular atrophy 1. Also called: SEVERE INFANTILE AXONAL NEUROPATHY WITH RESPIRATORY FAILURE; SPINAL MUSCULAR ATROPHY, DIAPHRAGMATIC; Spinal muscular atrophy with respiratory distress 1; HMN VI; NEURONOPATHY, SEVERE INFANTILE AXONAL, WITH RESPIRATORY FAILURE; NEURONOPATHY, DISTAL HEREDITARY MOTOR, HARDING TYPE VI. Identifiers: Orphanet 98920, MedGen C1858517, MONDO:0011436, OMIM 604320.
Charcot-Marie-Tooth disease axonal type 2S. Also called: CHARCOT-MARIE-TOOTH DISEASE, AXONAL, AUTOSOMAL RECESSIVE, TYPE 2S; CHARCOT-MARIE-TOOTH NEUROPATHY, TYPE 2S. Identifiers: Orphanet 443073, MedGen C4015349, MONDO:0014511, OMIM 616155.

Submission:

Labcorp Genetics (formerly Invitae), Labcorp
Classification: Uncertain significance for Autosomal recessive distal spinal muscular atrophy 1; Charcot-Marie-Tooth disease axonal type 2S. Last evaluated: 2025-03-17. Review status: criteria provided, single submitter. Criteria: Invitae Variant Classification Sherloc (09022015). Collection method: clinical testing. Allele origin: germline.
Comment: This sequence change falls in intron 14 of the IGHMBP2 gene. It does not directly change the encoded amino acid sequence of the IGHMBP2 protein. It affects a nucleotide within the consensus splice site. This variant is not present in population databases (gnomAD no frequency). This variant has been observed in individual(s) with clinical features of IGHMBP2-related conditions (internal data). In at least one individual the data is consistent with being in trans (on the opposite chromosome) from a pathogenic variant. ClinVar contains an entry for this variant (Variation ID: 841984). Variants that disrupt the consensus splice site are a relatively common cause of aberrant splicing (PMID: 17576681, 9536098). Algorithms developed to predict the effect of sequence changes on RNA splicing suggest that this variant may disrupt the consensus splice site. In summary, the available evidence is currently insufficient to determine the role of this variant in disease. Therefore, it has been classified as a Variant of Uncertain Significance.

Literature cited by the submitters: PubMed 17576681; PubMed 9536098.